The following is an entry in ClinVar:

NM_000152.5(GAA):c.2671C>T (p.Arg891Cys)

Gene: GAA (alpha glucosidase; plus strand). Cytogenetic location: 17q25.3.
Variant type: single nucleotide variant.
Coding change: c.2671C>T on transcript NM_000152.5 (MANE Select); coding-DNA position 2671, C replaced by T.
Protein change: p.Arg891Cys; replaces arginine 891 with cysteine.
Molecular consequence: missense variant.
Genome position (GRCh38, 1-based): chr17:80,118,677, C>T. VCF-style: chr17-80118677-C-T. GRCh37 (hg19) VCF-style: chr17-78092476-C-T.
Other names: c.2671C>T (LRG_673t1); c.2671C>T, p.Arg891Cys (NM_001079803.3, NM_001079804.3); short protein forms R891C.
Identifiers: ClinVar variation 449823 (VCV000449823.18), dbSNP rs377249041, ClinGen allele CA8815832.

ClinVar aggregate classification (germline): Conflicting classifications of pathogenicity. Review status: criteria provided, conflicting classifications (1 of 4 stars). 3 submissions from 3 submitters: Uncertain significance (2); Likely benign (1). Last evaluated 2026-09-19.

Conditions:
Glycogen storage disease, type II (IOPD). Also called: ACID ALPHA-GLUCOSIDASE DEFICIENCY, INFANTILE-ONSET; GAA DEFICIENCY, INFANTILE-ONSET; ACID MALTASE DEFICIENCY, INFANTILE-ONSET; Glucosidase acid-1,4-alpha deficiency; Pompe Disease; CARDIOMEGALIA GLYCOGENICA DIFFUSA. Identifiers: Orphanet 365, MedGen C0017921, MONDO:0009290, OMIM 232300.

Allele frequency attached by ClinVar (database versions not stated): gnomAD 0.00004 and 0.00005; ExAC 0.00007; gnomAD exomes 0.00007; ESP Exome Variant Server 0.00008; TOPMed 0.00009.
gnomAD v4.1: 128 of 1,612,824 alleles (0.0079%); highest among the groups gnomAD compares: Middle Eastern, 0.033%; no homozygotes.

Submissions (3):

GeneDx
Classification: Uncertain significance. Last evaluated: 2026-09-19. Review status: criteria provided, single submitter. Criteria: GeneDx Variant Classification Process June 2021. Collection method: clinical testing. Allele origin: germline.
Comment: In silico analysis supports that this missense variant has a deleterious effect on protein structure/function; Has not been previously published as pathogenic or benign to our knowledge; This variant is associated with the following publications: (PMID: 19343043, 22253258)

Labcorp Genetics (formerly Invitae), Labcorp
Classification: Likely benign for Glycogen storage disease, type II. Last evaluated: 2026-01-12. Review status: criteria provided, single submitter. Criteria: Invitae Variant Classification Sherloc (09022015). Collection method: clinical testing. Allele origin: germline.

Genome-Nilou Lab
Classification: Uncertain significance for Glycogen storage disease, type II. Last evaluated: 2021-07-22. Review status: criteria provided, single submitter. Criteria: ACMG Guidelines, 2015. Collection method: clinical testing. Allele origin: germline. Affected: no.